The following is an entry in ClinVar:

ClinVar aggregate classification (germline): Benign (1 of 4 stars; one submission).

Allele frequency attached by ClinVar (database versions not stated): 1000 Genomes Project 30x 0.17770; 1000 Genomes Project 0.17871; TOPMed 0.17938; gnomAD 0.18237 and 0.18360.
gnomAD v4.1: 27,615 of 152,164 alleles (18%); highest among the groups gnomAD compares: East Asian, 25%; 2,673 homozygotes.

Submission:

GeneDx
Classification: Benign. Last evaluated: 2018-06-14. Review status: criteria provided, single submitter. Criteria: GeneDx Variant Classification (06012015). Collection method: clinical testing. Allele origin: germline. Affected: yes.
Comment: This variant is considered likely benign or benign based on one or more of the following criteria: it is a conservative change, it occurs at a poorly conserved position in the protein, it is predicted to be benign by multiple in silico algorithms, and/or has population frequency not consistent with disease.

NM_006612.6(KIF1C):c.364-227A>G

Gene: KIF1C (kinesin family member 1C; plus strand). Cytogenetic location: 17p13.2.
Variant type: single nucleotide variant.
Coding change: c.364-227A>G on transcript NM_006612.6 (MANE Select); 227 bases into the intron before coding-DNA position 364, A replaced by G.
Molecular consequence: intron variant.
Genome position (GRCh38, 1-based): chr17:5,001,832, A>G. VCF-style: chr17-5001832-A-G. GRCh37 (hg19) VCF-style: chr17-4905127-A-G.
Identifiers: ClinVar variation 672496 (VCV000672496.1), dbSNP rs2240289, ClinGen allele CA16534040.